The following is an entry in ClinVar:

ClinVar aggregate classification (germline): Pathogenic. Review status: criteria provided, multiple submitters, no conflicts (2 of 4 stars). 3 submissions from 3 submitters: Pathogenic (3). Last evaluated 2021-06-12.

Conditions:
Duchenne muscular dystrophy (DMD). Also called: MUSCULAR DYSTROPHY, PSEUDOHYPERTROPHIC PROGRESSIVE, DUCHENNE TYPE; Duchenne Muscular Dystrophy (DMD). Identifiers: Orphanet 98896, MedGen C0013264, MONDO:0010679, OMIM 310200.

Submissions (3):

Labcorp Genetics (formerly Invitae), Labcorp
Classification: Pathogenic for Duchenne muscular dystrophy. Last evaluated: 2021-06-12. Review status: criteria provided, single submitter. Criteria: Invitae Variant Classification Sherloc (09022015). Collection method: clinical testing. Allele origin: germline.
Comment: For these reasons, this variant has been classified as Pathogenic. This variant has been reported in individuals in the Leiden Open-source Variation Database (PMID: 21520333). ClinVar contains an entry for this variant (Variation ID: 594994). This variant is not present in population databases (ExAC no frequency). This sequence change creates a premature translational stop signal (p.Tyr972Metfs*32) in the DMD gene. It is expected to result in an absent or disrupted protein product. Loss-of-function variants in DMD are known to be pathogenic (PMID: 16770791, 25007885).

Revvity Omics, Revvity
Classification: Pathogenic. Last evaluated: 2020-01-28. Review status: criteria provided, single submitter. Criteria: ACMG Guidelines, 2015. Collection method: clinical testing. Allele origin: germline.

Eurofins Ntd Llc (ga)
Classification: Pathogenic. Last evaluated: 2017-12-01. Review status: criteria provided, single submitter. Criteria: EGL Classification Definitions 2015. Collection method: clinical testing. Allele origin: germline. Observed: 1 variant allele, 1 hemizygote.

Literature cited by the submitters: PubMed 21520333 (cited by Labcorp Genetics (formerly Invitae), Labcorp); PubMed 16770791 (cited by Labcorp Genetics (formerly Invitae), Labcorp); PubMed 25007885 (cited by Labcorp Genetics (formerly Invitae), Labcorp).

NM_004006.3(DMD):c.2914del (p.Tyr972fs)

Gene: DMD (dystrophin; minus strand). Cytogenetic location: Xp21.1.
Variant type: Deletion.
Coding change: c.2914del on transcript NM_004006.3 (MANE Select); coding-DNA position 2914, one base deleted (T; older notation c.2914delT).
Protein change: p.Tyr972fs; shifts the reading frame from tyrosine 972.
Molecular consequence: frameshift variant.
Genome position (GRCh38, 1-based): chrX:32,472,199, A deleted on the plus strand (T on the coding strand, the reverse complement: DMD is on the minus strand). VCF-style (leftmost placement, unchanged base first): chrX-32472198-TA-T. GRCh37 (hg19) VCF-style: chrX-32490315-TA-T.
Other names: c.2890del, p.Tyr964fs (NM_000109.4); c.2902del, p.Tyr968fs (NM_004009.3); c.2545del, p.Tyr849fs (NM_004010.3); short protein forms Y964fs, Y972fs, Y849fs, Y968fs.
Identifiers: ClinVar variation 594994 (VCV000594994.16), dbSNP rs1569564281, ClinGen allele CA913191099.